The following is an entry in ClinVar:

NM_001292034.3(TAB2):c.902C>G (p.Ser301Cys)

Genes: TAB2 (TGF-beta activated kinase 1 (MAP3K7) binding protein 2; plus strand), LOC126859827 (BRD4-independent group 4 enhancer GRCh37_chr6:149699707-149700906; plus strand). Cytogenetic location: 6q25.1.
Variant type: single nucleotide variant.
Coding change: c.902C>G on transcript NM_001292034.3 (MANE Select); coding-DNA position 902, C replaced by G.
Protein change: p.Ser301Cys; replaces serine 301 with cysteine.
Molecular consequence: missense variant.
Genome position (GRCh38, 1-based): chr6:149,378,817, C>G. VCF-style: chr6-149378817-C-G. GRCh37 (hg19) VCF-style: chr6-149699953-C-G.
Other names: c.806C>G, p.Ser269Cys (NM_001292035.3); c.902C>G, p.Ser301Cys (NM_001369506.1, NM_015093.6); short protein forms S269C, S301C.
Identifiers: ClinVar variation 2661999 (VCV002661999.1), dbSNP rs1356615525, ClinGen allele CA365997531.

ClinVar aggregate classification (germline): Uncertain significance (1 of 4 stars; one submission).

Allele frequency attached by ClinVar (database versions not stated): gnomAD exomes below 0.00001; gnomAD 0.00001.
gnomAD v4.1: 3 of 1,614,080 alleles (0.00019%); highest among the groups gnomAD compares: Non-Finnish European, 0.00025%; no homozygotes.

Submission:

GeneDx
Classification: Uncertain significance. Last evaluated: 2023-05-05. Review status: criteria provided, single submitter. Criteria: GeneDx Variant Classification Process June 2021. Collection method: clinical testing. Allele origin: germline. Affected: yes.
Comment: Not observed at significant frequency in large population cohorts (gnomAD); In silico analysis supports that this missense variant does not alter protein structure/function; Has not been previously published as pathogenic or benign to our knowledge